The following is an entry in ClinVar:

NM_001365613.2(RRBP1):c.2913T>C (p.Asp971=)

Gene: RRBP1 (ribosome binding protein 1; minus strand). Cytogenetic location: 20p12.1.
Variant type: single nucleotide variant.
Coding change: c.2913T>C on transcript NM_001365613.2 (MANE Select); coding-DNA position 2913, T replaced by C.
Protein change: p.Asp971=; no amino-acid change (aspartic acid 971 retained).
Molecular consequence: synonymous variant.
Genome position (GRCh38, 1-based): chr20:17,627,519, A>G on the plus strand (T>C on the coding strand, the complement: RRBP1 is on the minus strand). VCF-style: chr20-17627519-A-G. GRCh37 (hg19) VCF-style: chr20-17608164-A-G.
Other names: c.1614T>C, p.Asp538= (NM_001042576.2, NM_004587.3).
Identifiers: ClinVar variation 4084023 (VCV004084023.8).

ClinVar aggregate classification (germline): Likely benign (1 of 4 stars; one submission).

gnomAD v4.1: 498 of 1,610,726 alleles (0.031%); highest among the groups gnomAD compares: South Asian, 0.41%; 12 homozygotes.

Submission:

CeGaT Center for Human Genetics Tuebingen
Classification: Likely benign. Last evaluated: 2025-07-01. Review status: criteria provided, single submitter. Criteria: CeGaT Center For Human Genetics Tuebingen Variant Classification Criteria Version 2. Collection method: clinical testing. Allele origin: germline. Affected: yes. Observed: 1 variant allele.
Comment: RRBP1: BP4, BP7